The following is an entry in ClinVar:

ClinVar aggregate classification (germline): Uncertain significance (1 of 4 stars; one submission).

Conditions:
Nemaline myopathy 9 (NEM9). Identifiers: MedGen C3810384, MONDO:0014326, OMIM 615731.

Submission:

Labcorp Genetics (formerly Invitae), Labcorp
Classification: Uncertain significance for Nemaline myopathy 9. Last evaluated: 2019-12-18. Review status: criteria provided, single submitter. Criteria: Invitae Variant Classification Sherloc (09022015). Collection method: clinical testing. Allele origin: germline.
Comment: This variant results in a copy number gain of the genomic region encompassing the full coding sequence of the KLHL41 gene. The boundaries of this event are unknown as they extend beyond the assayed region for this gene and therefore may encompass additional genes. As the precise location of this event is unknown, it may be in tandem or it may be located elsewhere in the genome. This variant has not been reported in the literature in individuals with KLHL41-related conditions. Experimental studies and prediction algorithms are not available or were not evaluated, and the functional significance of this variant is currently unknown. In summary, the available evidence is currently insufficient to determine the role of this variant in disease. Therefore, it has been classified as a Variant of Uncertain Significance.

NC_000002.12:g.(?_169509769)_(169525706_?)dup

Gene: KLHL41 (kelch like family member 41; plus strand). Cytogenetic location: 2q31.1.
Variant type: Duplication.
Identifiers: ClinVar variation 831668 (VCV000831668.1).